The following is an entry in ClinVar:

ClinVar aggregate classification (germline): Uncertain significance (1 of 4 stars; one submission).

Conditions:
BBS12-related disorder. Also called: BBS12-related condition.

Submission:

PreventionGenetics, part of Exact Sciences
Classification: Uncertain significance for BBS12-related condition. Last evaluated: 2025-04-11. Review status: criteria provided, single submitter. Criteria: ACMG Guidelines, 2015. Collection method: clinical testing. Allele origin: germline.
Comment: The BBS12 c.1154T>C variant is predicted to result in the amino acid substitution p.Met385Thr. To our knowledge, this variant has not been reported in the literature or in a large population database (gnomAD), indicating this variant is rare. At this time, the clinical significance of this variant is uncertain due to the absence of conclusive functional and genetic evidence.

NM_152618.3(BBS12):c.1154T>C (p.Met385Thr)

Gene: BBS12 (Bardet-Biedl syndrome 12; plus strand). Cytogenetic location: 4q27.
Variant type: single nucleotide variant.
Coding change: c.1154T>C on transcript NM_152618.3 (MANE Select); coding-DNA position 1154, T replaced by C.
Protein change: p.Met385Thr; replaces methionine 385 with threonine.
Molecular consequence: missense variant.
Genome position (GRCh38, 1-based): chr4:122,743,046, T>C. VCF-style: chr4-122743046-T-C. GRCh37 (hg19) VCF-style: chr4-123664201-T-C.
Other names: c.1154T>C, p.Met385Thr (NM_001178007.2); short protein forms M385T.
Identifiers: ClinVar variation 4997680 (VCV004997680.1).